The following is an entry in ClinVar:

NM_003640.5(ELP1):c.3360T>C (p.Tyr1120=)

Gene: ELP1 (elongator acetyltransferase complex subunit 1; minus strand). Cytogenetic location: 9q31.3.
Variant type: single nucleotide variant.
Coding change: c.3360T>C on transcript NM_003640.5 (MANE Select); coding-DNA position 3360, T replaced by C.
Protein change: p.Tyr1120=; no amino-acid change (tyrosine 1120 retained).
Molecular consequence: synonymous variant.
Genome position (GRCh38, 1-based): chr9:108,880,152, A>G on the plus strand (T>C on the coding strand, the complement: ELP1 is on the minus strand). VCF-style: chr9-108880152-A-G. GRCh37 (hg19) VCF-style: chr9-111642432-A-G.
Other names: c.3018T>C, p.Tyr1006= (NM_001318360.2); c.2313T>C, p.Tyr771= (NM_001330749.2); c.3360T>C (NM_003640.4).
Identifiers: ClinVar variation 697066 (VCV000697066.18), dbSNP rs766875245, ClinGen allele CA5174325.

ClinVar aggregate classification (germline): Likely benign. Review status: criteria provided, multiple submitters, no conflicts (2 of 4 stars). 7 submissions from 7 submitters: Likely benign (5). 2 of the submissions do not count toward it. Last evaluated 2026-08-01.

Conditions:
Medulloblastoma (MDB). Also called: MEDULLOBLASTOMA PREDISPOSITION SYNDROME; Medulloblastoma, somatic. Identifiers: Orphanet 616, MedGen C0025149, MeSH D008527, MONDO:0007959, OMIM 155255, HP:0002885.
Familial dysautonomia. Also called: FD; HSAN III. Identifiers: Orphanet 1764, MedGen C0013364, MONDO:0009131, OMIM 223900. Disease mechanism: loss of function.
ELP1-related disorder. Also called: ELP1-related condition.

Allele frequency attached by ClinVar (database versions not stated): gnomAD exomes 0.00003 and 0.00012; gnomAD 0.00004 and 0.00005; TOPMed 0.00006; ExAC 0.00011.
gnomAD v4.1: 50 of 1,612,860 alleles (0.0031%); highest among the groups gnomAD compares: Admixed American, 0.04%; no homozygotes.

Submissions (7):

CeGaT Center for Human Genetics Tuebingen
Classification: Likely benign. Last evaluated: 2026-08-01. Review status: criteria provided, single submitter. Criteria: CeGaT Center For Human Genetics Tuebingen Variant Classification Criteria Version 2. Collection method: clinical testing. Allele origin: germline. Affected: yes. Observed: 1 variant allele.
Comment: ELP1: BP4, BP7

Labcorp Genetics (formerly Invitae), Labcorp
Classification: Likely benign. Last evaluated: 2026-01-19. Review status: criteria provided, single submitter. Criteria: Invitae Variant Classification Sherloc (09022015). Collection method: clinical testing. Allele origin: germline.

Blueprint Genetics
Classification: Likely benign. Last evaluated: 2023-11-16. Review status: criteria provided, single submitter. Criteria: ACMG Guidelines, 2015. Collection method: clinical testing. Allele origin: germline.

Ambry Genetics
Classification: Likely benign. Last evaluated: 2022-11-15. Review status: criteria provided, single submitter. Criteria: Ambry Variant Classification Scheme 2023. Collection method: clinical testing. Allele origin: germline.

Fulgent Genetics
Classification: Likely benign for Medulloblastoma; Familial dysautonomia. Last evaluated: 2021-10-07. Review status: criteria provided, single submitter. Criteria: ACMG Guidelines, 2015. Collection method: clinical testing. Allele origin: unknown.

PreventionGenetics, part of Exact Sciences
Classification: Likely benign for ELP1-related condition. Last evaluated: 2020-10-16. Review status: no assertion criteria provided. Collection method: clinical testing. Allele origin: germline. Not counted in ClinVar's aggregate classification.
Comment: This variant is classified as likely benign based on ACMG/AMP sequence variant interpretation guidelines (Richards et al. 2015 PMID: 25741868, with internal and published modifications).

Natera, Inc.
Classification: Likely benign for Familial dysautonomia. Last evaluated: 2020-09-16. Review status: no assertion criteria provided. Collection method: clinical testing. Allele origin: germline. Not counted in ClinVar's aggregate classification.